The following is an entry in ClinVar:

ClinVar aggregate classification (germline): Conflicting classifications of pathogenicity. Review status: criteria provided, conflicting classifications (1 of 4 stars). 8 submissions from 7 submitters: Uncertain significance (2); Likely benign (4). 2 of the submissions do not count toward it. Last evaluated 2026-05-08.

Conditions:
Hypercholesterolemia, autosomal dominant, type B (FHCL2). Also called: Familial Hypercholesterolemia Type B; Hyperlipoproteinemia Type IIb; APOB-Related Familial Hypercholesterolemia, Autosomal Dominant; HYPERCHOLESTEROLEMIA, FAMILIAL, DUE TO LIGAND-DEFECTIVE APOLIPOPROTEIN B; APOLIPOPROTEIN B-100, FAMILIAL DEFECTIVE; APOLIPOPROTEIN B-100, FAMILIAL LIGAND-DEFECTIVE. Identifiers: MedGen C1704417, MONDO:0007751, OMIM 144010.
Familial hypobetalipoproteinemia 1. Also called: Hypobetalipoproteinemia, normotriglyceridemic; Acanthocytosis with hypobetalipoproteinemia; APOB-Related Familial Hypobetalipoproteinemia. Identifiers: MedGen C4551990, MONDO:0014252, OMIM 615558.
Cardiovascular phenotype. Identifiers: MedGen CN230736.
Familial hypercholesterolemia. Also called: Familial hypercholesterolemias; Familial hypercholesterolaemia. Identifiers: MedGen C0020445, MONDO:0005439.

Allele frequency attached by ClinVar (database versions not stated): ExAC 0.00004; gnomAD exomes 0.00006; TOPMed 0.00011; gnomAD 0.00012 and 0.00013; ESP Exome Variant Server 0.00023.
gnomAD v4.1: 60 of 1,613,804 alleles (0.0037%); highest among the groups gnomAD compares: African/African-American, 0.032%; no homozygotes.

Submissions (8):

GENinCode PLC
Classification: Likely benign for Familial hypercholesterolemia. Last evaluated: 2026-05-08. Review status: criteria provided, single submitter. Criteria: ACMG Guidelines, 2015. Collection method: clinical testing. Allele origin: germline.
Comment: This is a synonymous (silent) variant that is not predicted to impact splicing and occurs at a nucleotide which is not highly conserved. This variant has been classified as Likely Benign (BP4, BP7).

Labcorp Genetics (formerly Invitae), Labcorp
Classification: Likely benign for Familial hypobetalipoproteinemia 1; Hypercholesterolemia, autosomal dominant, type B. Last evaluated: 2025-11-02. Review status: criteria provided, single submitter. Criteria: Invitae Variant Classification Sherloc (09022015). Collection method: clinical testing. Allele origin: germline.

CeGaT Center for Human Genetics Tuebingen
Classification: Likely benign. Last evaluated: 2025-07-01. Review status: criteria provided, single submitter. Criteria: CeGaT Center For Human Genetics Tuebingen Variant Classification Criteria Version 2. Collection method: clinical testing. Allele origin: germline. Affected: yes. Observed: 1 variant allele.
Comment: APOB: BP4, BP7

Illumina Laboratory Services, Illumina
Classification: Uncertain significance for Familial hypobetalipoproteinemia 1. Last evaluated: 2018-01-12. Review status: criteria provided, single submitter. Criteria: ICSL Variant Classification Criteria 13 December 2019. Collection method: clinical testing. Allele origin: germline.

Illumina Laboratory Services, Illumina
Classification: Uncertain significance for Hypercholesterolemia, autosomal dominant, type B. Last evaluated: 2018-01-12. Review status: criteria provided, single submitter. Criteria: ICSL Variant Classification Criteria 13 December 2019. Collection method: clinical testing. Allele origin: germline.

Ambry Genetics
Classification: Likely benign for Cardiovascular phenotype. Last evaluated: 2017-04-19. Review status: criteria provided, single submitter. Criteria: Ambry Variant Classification Scheme 2023. Collection method: clinical testing. Allele origin: germline.

Clinical Genetics DNA and cytogenetics Diagnostics Lab, Erasmus MC, Erasmus Medical Center
Classification: Likely benign. Review status: no assertion criteria provided. Collection method: clinical testing. Allele origin: germline. Affected: yes. Study: VKGL Data-share Consensus. Not counted in ClinVar's aggregate classification.

Clinical Genetics, Academic Medical Center
Classification: Benign. Review status: no assertion criteria provided. Collection method: clinical testing. Allele origin: germline. Affected: yes. Study: VKGL Data-share Consensus. Not counted in ClinVar's aggregate classification.

NM_000384.3(APOB):c.12051C>T (p.Asp4017=)

Gene: APOB (apolipoprotein B; minus strand). Cytogenetic location: 2p24.1.
Variant type: single nucleotide variant.
Coding change: c.12051C>T on transcript NM_000384.3 (MANE Select); coding-DNA position 12051, C replaced by T.
Protein change: p.Asp4017=; no amino-acid change (aspartic acid 4017 retained).
Molecular consequence: synonymous variant.
Genome position (GRCh38, 1-based): chr2:21,004,305, G>A on the plus strand (C>T on the coding strand, the complement: APOB is on the minus strand). VCF-style: chr2-21004305-G-A. GRCh37 (hg19) VCF-style: chr2-21227177-G-A.
Identifiers: ClinVar variation 695320 (VCV000695320.33), dbSNP rs12713501, ClinGen allele CA048782.
Genomic context (GRCh38, chr2:21,004,305, plus strand): 5'-TGTCACTCATTAGGTGGTATTTACCTGAGGGCTGTAGTAGAAGTTCCATTTAGAAAAGTC[G>A]TCATCTTCATCCATATCCATGCCCACGGTGCCTACGGCTGGGGAGGCTGCTGAGGTGGAG-3'
Protein context (NP_000375.3, residues 4007-4027): GTVGMDMDED[Asp4017=]DFSKWNFYYS